The following is an entry in ClinVar:

NM_000030.3(AGXT):c.424-66_425del

Gene: AGXT (alanine--glyoxylate aminotransferase; plus strand). Cytogenetic location: 2q37.3.
Variant type: Deletion.
Coding change: c.424-66_425del on transcript NM_000030.3 (MANE Select); 66 bases into the intron before coding-DNA position 424 through coding-DNA position 425, 68 bases deleted.
Molecular consequence: splice acceptor variant.
Genome position (GRCh38, 1-based): chr2:240,871,283-240,871,350, 68 bases deleted. GRCh37 (hg19): chr2:241,810,700-241,810,767.
Other names: c.424-66_425del (NM_000030.2).
Identifiers: ClinVar variation 1949478 (VCV001949478.6), dbSNP rs2528744114, ClinGen allele CA2580068004.

ClinVar aggregate classification (germline): Likely pathogenic. Review status: criteria provided, multiple submitters, no conflicts (2 of 4 stars). 2 submissions from 2 submitters: Likely pathogenic (2). Last evaluated 2024-12-31.

Conditions:
Primary hyperoxaluria, type I (HP1). Also called: GLYCOLIC ACIDURIA; HEPATIC AGT DEFICIENCY; OXALOSIS I; Primary hyperoxaluria type 1. Identifiers: Orphanet 416, Orphanet 93598, MedGen C0268164, MONDO:0009823, OMIM 259900. Disease mechanism: loss of function.

Submissions (2):

Natera, Inc.
Classification: Likely pathogenic for Primary hyperoxaluria type I. Last evaluated: 2024-12-31. Review status: criteria provided, single submitter. Criteria: Natera Variant Classification Schema (03/2026). Collection method: clinical testing. Allele origin: germline.
Comment: The c.424-66_425del variant in AGXT is a frameshift variant predicted to shift the reading frame and introduce a stop codon. This variant is expected to result in nonsense mediated decay, truncation, or a dysfunctional protein product. This variant is rare in the general population with a frequency below the threshold expected for the associated phenotype(s). Given the available evidence, this variant is classified as Likely Pathogenic.

Labcorp Genetics (formerly Invitae), Labcorp
Classification: Likely pathogenic. Last evaluated: 2022-02-25. Review status: criteria provided, single submitter. Criteria: Invitae Variant Classification Sherloc (09022015). Collection method: clinical testing. Allele origin: germline.
Comment: In summary, the currently available evidence indicates that the variant is pathogenic, but additional data are needed to prove that conclusively. Therefore, this variant has been classified as Likely Pathogenic. Algorithms developed to predict the effect of sequence changes on RNA splicing suggest that this variant may disrupt the consensus splice site. This variant has not been reported in the literature in individuals affected with AGXT-related conditions. This variant is not present in population databases (gnomAD no frequency). This variant results in the deletion of part of exon 4 (c.424-66_425del) of the AGXT gene. It is expected to disrupt RNA splicing. Variants that disrupt the donor or acceptor splice site typically lead to a loss of protein function (PMID: 16199547), and loss-of-function variants in AGXT are known to be pathogenic (PMID: 19479957).

Literature cited by the submitters: PubMed 16199547 (cited by Labcorp Genetics (formerly Invitae), Labcorp); PubMed 19479957 (cited by Labcorp Genetics (formerly Invitae), Labcorp).